The following is an entry in ClinVar:

ClinVar aggregate classification (germline): Uncertain significance. Review status: criteria provided, multiple submitters, no conflicts (2 of 4 stars). 2 submissions from 2 submitters: Uncertain significance (2). Last evaluated 2025-09-19.

gnomAD v4.1: 14 of 1,609,364 alleles (0.00087%); highest among the groups gnomAD compares: Admixed American, 0.0034%; no homozygotes.

Submissions (2):

Labcorp Genetics (formerly Invitae), Labcorp
Classification: Uncertain significance. Last evaluated: 2025-09-19. Review status: criteria provided, single submitter. Criteria: Invitae Variant Classification Sherloc (09022015). Collection method: clinical testing. Allele origin: germline.
Comment: This sequence change replaces alanine, which is neutral and non-polar, with threonine, which is neutral and polar, at codon 385 of the GATA5 protein (p.Ala385Thr). This variant is present in population databases (rs781950321, gnomAD 0.003%). This variant has not been reported in the literature in individuals affected with GATA5-related conditions. ClinVar contains an entry for this variant (Variation ID: 3853048). An algorithm developed to predict the effect of missense changes on protein structure and function outputs the following: PolyPhen-2: "Benign". The threonine amino acid residue is found in multiple mammalian species, which suggests that this missense change does not adversely affect protein function. In summary, the available evidence is currently insufficient to determine the role of this variant in disease. Therefore, it has been classified as a Variant of Uncertain Significance.

Ambry Genetics
Classification: Uncertain significance. Last evaluated: 2025-01-09. Review status: criteria provided, single submitter. Criteria: Ambry Variant Classification Scheme 2023. Collection method: clinical testing. Allele origin: germline.

NM_080473.5(GATA5):c.1153G>A (p.Ala385Thr)

Gene: GATA5 (GATA binding protein 5; minus strand). Cytogenetic location: 20q13.33.
Variant type: single nucleotide variant.
Coding change: c.1153G>A on transcript NM_080473.5 (MANE Select); coding-DNA position 1153, G replaced by A.
Protein change: p.Ala385Thr; replaces alanine 385 with threonine.
Molecular consequence: missense variant.
Genome position (GRCh38, 1-based): chr20:62,464,877, C>T on the plus strand (G>A on the coding strand, the complement: GATA5 is on the minus strand). VCF-style: chr20-62464877-C-T. GRCh37 (hg19) VCF-style: chr20-61039933-C-T.
Other names: short protein forms A385T.
Identifiers: ClinVar variation 3853048 (VCV003853048.2).